The following is an entry in ClinVar:

NM_032043.3(BRIP1):c.3208T>C (p.Ser1070Pro)

Gene: BRIP1 (BRCA1 interacting DNA helicase 1; minus strand). Cytogenetic location: 17q23.2.
Variant type: single nucleotide variant.
Coding change: c.3208T>C on transcript NM_032043.3 (MANE Select); coding-DNA position 3208, T replaced by C.
Protein change: p.Ser1070Pro; replaces serine 1070 with proline.
Molecular consequence: missense variant.
Genome position (GRCh38, 1-based): chr17:61,683,838, A>G on the plus strand (T>C on the coding strand, the complement: BRIP1 is on the minus strand). VCF-style: chr17-61683838-A-G. GRCh37 (hg19) VCF-style: chr17-59761199-A-G.
Other names: short protein forms S1070P.
Identifiers: ClinVar variation 4630795 (VCV004630795.1).

ClinVar aggregate classification (germline): Uncertain significance (1 of 4 stars; one submission).

Conditions:
Hereditary cancer-predisposing syndrome. Also called: Neoplastic Syndromes, Hereditary; Tumor predisposition; Hereditary Cancer Syndrome; Hereditary neoplastic syndrome. Identifiers: Orphanet 140162, MedGen C0027672, MeSH D009386, MONDO:0015356.

Submission:

Ambry Genetics
Classification: Uncertain significance for Hereditary cancer-predisposing syndrome. Last evaluated: 2025-09-28. Review status: criteria provided, single submitter. Criteria: Ambry Variant Classification Scheme 2023. Collection method: clinical testing. Allele origin: germline.
Comment: The p.S1070P variant (also known as c.3208T>C), located in coding exon 19 of the BRIP1 gene, results from a T to C substitution at nucleotide position 3208. The serine at codon 1070 is replaced by proline, an amino acid with similar properties. This amino acid position is conserved. In addition, this alteration is predicted to be tolerated by in silico analysis. Based on the available evidence, the clinical significance of this variant remains unclear.